The following is an entry in ClinVar:

ClinVar aggregate classification (germline): Conflicting classifications of pathogenicity. Review status: criteria provided, conflicting classifications (1 of 4 stars). 3 submissions from 3 submitters: Uncertain significance (1); Benign (1); Likely benign (1). Last evaluated 2026-02-01.

Conditions:
Syndromic multisystem autoimmune disease due to ITCH deficiency. Also called: AUTOIMMUNE DISEASE, MULTISYSTEM, WITH FACIAL DYSMORPHISM. Identifiers: Orphanet 228426, MedGen C3150649, MONDO:0013245, OMIM 613385.

Submissions (5):

Labcorp Genetics (formerly Invitae), Labcorp
Classification: Benign for Syndromic multisystem autoimmune disease due to ITCH deficiency. Last evaluated: 2026-02-01. Review status: criteria provided, single submitter. Criteria: Invitae Variant Classification Sherloc (09022015). Collection method: clinical testing. Allele origin: germline.

Blueprint Genetics
Classification: Likely benign. Last evaluated: 2024-11-25. Review status: criteria provided, single submitter. Criteria: ACMG Guidelines, 2015. Collection method: clinical testing. Allele origin: germline.

Center for Genomics, Ann and Robert H. Lurie Children's Hospital of Chicago
Classification: Uncertain significance for Syndromic multisystem autoimmune disease due to ITCH deficiency. Last evaluated: 2022-10-04. Review status: criteria provided, single submitter. Criteria: ACMG Guidelines, 2015. Collection method: clinical testing. Allele origin: germline.
Comment: This variant has not been reported in the literature but is present in the Genome Aggregation Database (Highest reported MAF 0.06% (41/67652). This variant is present in ClinVar (Variation ID:1553215). Evolutionary conservation and computational predictive tools for this variant are limited or unavailable. This variant is a deletion of 1 nucleotide in the intronic region with no predicted change in the amino acid sequence but may have an unknown effect on splicing. Splice prediction tools do not suggest that this variant may affect splicing. Further studies are needed to understand its impact. In summary, data on this variant is insufficient for disease classification. Therefore, the clinical significance of this variant is uncertain.

Dr. Peter K. Rogan Lab, Western University
No classification provided (evidence only). Condition: Familial cancer of breast. Review status: no classification provided. Collection method: in vitro. Allele origin: not applicable. Functional consequence: retained intron. Not counted in ClinVar's aggregate classification.

Dr. Peter K. Rogan Lab, Western University
No classification provided (evidence only). Condition: Colorectal cancer. Review status: no classification provided. Collection method: in vitro. Allele origin: not applicable. Functional consequence: retained intron. Not counted in ClinVar's aggregate classification.

NM_031483.7(ITCH):c.1570-3del

Gene: ITCH (itchy E3 ubiquitin protein ligase; plus strand). Cytogenetic location: 20q11.22.
Variant type: Deletion.
Coding change: c.1570-3del on transcript NM_031483.7 (MANE Select); 3 bases into the intron before coding-DNA position 1570, one base deleted (T; older notation c.1570-3delT).
Molecular consequence: intron variant.
Genome position (GRCh38, 1-based): chr20:34,477,769, T deleted; the last of 9 consecutive T bases (chr20:34,477,761-34,477,769); deleting any one gives the same sequence. VCF-style (leftmost placement, unchanged base first): chr20-34477760-AT-A. GRCh37 (hg19) VCF-style: chr20-33065565-AT-A.
Other names: NC_000020.10:g.33065574del; c.1693-3del (NM_001324197.2, NM_001257137.3); c.1570-3del (NM_001324198.2); c.1240-3del (NM_001257138.3).
Identifiers: ClinVar variation 1657545 (VCV001657545.11), dbSNP rs759646195, ClinGen allele CA9821764.